The following is an entry in ClinVar:

ClinVar aggregate classification (germline): Uncertain significance (1 of 4 stars; one submission).

Submission:

Labcorp Genetics (formerly Invitae), Labcorp
Classification: Uncertain significance. Last evaluated: 2023-08-04. Review status: criteria provided, single submitter. Criteria: Invitae Variant Classification Sherloc (09022015). Collection method: clinical testing. Allele origin: germline.
Comment: ClinVar contains an entry for this variant (Variation ID: 1380328). This sequence change replaces serine with isoleucine at codon 64 of the ADD3 protein (p.Ser64Ile). The serine residue is highly conserved and there is a large physicochemical difference between serine and isoleucine. This variant is not present in population databases (gnomAD no frequency). This variant has not been reported in the literature in individuals affected with ADD3-related conditions. Advanced modeling of protein sequence and biophysical properties (such as structural, functional, and spatial information, amino acid conservation, physicochemical variation, residue mobility, and thermodynamic stability) performed at Invitae indicates that this missense variant is expected to disrupt ADD3 protein function. In summary, the available evidence is currently insufficient to determine the role of this variant in disease. Therefore, it has been classified as a Variant of Uncertain Significance.

NM_016824.5(ADD3):c.191G>T (p.Ser64Ile)

Gene: ADD3 (adducin 3; plus strand). Cytogenetic location: 10q25.2.
Variant type: single nucleotide variant.
Coding change: c.191G>T on transcript NM_016824.5 (MANE Select); coding-DNA position 191, G replaced by T.
Protein change: p.Ser64Ile; replaces serine 64 with isoleucine.
Molecular consequence: missense variant. On other transcripts: 5 prime UTR variant (1).
Genome position (GRCh38, 1-based): chr10:110,100,844, G>T. VCF-style: chr10-110100844-G-T. GRCh37 (hg19) VCF-style: chr10-111860602-G-T.
Other names: c.191G>T, p.Ser64Ile (NM_001121.4, NM_001320591.2, NM_001320592.2 and 2 more transcripts); c.-98G>T (NM_001320594.2); short protein forms S64I.
Identifiers: ClinVar variation 1380328 (VCV001380328.6), dbSNP rs1848733248, ClinGen allele CA378366035.